The following is an entry in ClinVar:

NM_004333.6(BRAF):c.1455G>C (p.Leu485Phe)

Gene: BRAF (B-Raf proto-oncogene, serine/threonine kinase; minus strand). Cytogenetic location: 7q34.
Variant type: single nucleotide variant.
Coding change: c.1455G>C on transcript NM_004333.6 (MANE Select); coding-DNA position 1455, G replaced by C.
Protein change: p.Leu485Phe; replaces leucine 485 with phenylalanine.
Molecular consequence: missense variant.
Genome position (GRCh38, 1-based): chr7:140,778,053, C>G on the plus strand (G>C on the coding strand, the complement: BRAF is on the minus strand). VCF-style: chr7-140778053-C-G. GRCh37 (hg19) VCF-style: chr7-140477853-C-G.
Other names: c.1455G>C, p.Leu485Phe (NM_001378474.1, NM_001354609.2, NM_001378468.1); c.1191G>C, p.Leu397Phe (NM_001378475.1); c.1389G>C, p.Leu463Phe (NM_001378469.1); c.1353G>C, p.Leu451Phe (NM_001378470.1); c.1344G>C, p.Leu448Phe (NM_001378471.1); c.1299G>C, p.Leu433Phe (NM_001378472.1, NM_001378473.1); c.1575G>C, p.Leu525Phe (NM_001374244.1, NM_001374258.1); c.1464G>C, p.Leu488Phe (NM_001378467.1); short protein forms L485F, L451F, L433F, L448F, L488F, L397F, L463F, L525F.
Identifiers: ClinVar variation 13975 (VCV000013975.55), dbSNP rs180177036, ClinGen allele CA273414.

ClinVar aggregate classification (germline): Pathogenic. Review status: reviewed by expert panel (3 of 4 stars). 12 submissions from 12 submitters: Pathogenic (1). 11 of the submissions do not count toward it. Last evaluated 2020-02-28.

Conditions:
BRAF-related disorder. Also called: BRAF-related condition.
Cardiovascular phenotype. Identifiers: MedGen CN230736.
Cardio-facio-cutaneous syndrome. Also called: Cardiofaciocutaneous syndrome; CFC syndrome. Identifiers: Orphanet 1340, MedGen C1275081, MONDO:0015280. Disease mechanism: gain of function.
Noonan syndrome (NS). Also called: Noonan's syndrome. Identifiers: Orphanet 648, MedGen C0028326, MeSH D009634, MONDO:0018997. Disease mechanism: gain of function.
RASopathy. Also called: rasopathies; Noonan spectrum disorder. Identifiers: Orphanet 536391, MedGen C5555857, MONDO:0021060.
Cardiofaciocutaneous syndrome 1 (CFC1). Also called: BRAF-Related Cardiofaciocutaneous Syndrome. Identifiers: Orphanet 1340, MedGen CN029449, MONDO:0007265, OMIM 115150. Disease mechanism: gain of function.

Submissions 1 to 7 of 12:

ClinGen RASopathy Variant Curation Expert Panel
Classification: Pathogenic for RASopathy. Last evaluated: 2020-02-28. Review status: reviewed by expert panel. Criteria: ClinGen RASopathy ACMG Specifications v1. Collection method: curation. Allele origin: germline. Inheritance: Autosomal dominant inheritance.
Comment: The c.1455G>C (p.Leu485Phe) variant in BRAF is absent from gnomAD (PM2). It has been detected in at least 4 patients with clinical features of a RASopathy, 1 of which was reported as a de novo case with parentage confirmation (PS4_Moderate; PS2; 19206169, 16474404, SCV000197149.4). In vitro functional studies provide some evidence that the p.L485F variant may impact protein function (PS3; PMID: 18413255). The variant is located in the BRAF gene, which has been defined by the ClinGen RASopathy Expert Panel as a gene with a low rate of benign missense variants and pathogenic missense variants are common (PP2; PMID: 29493581). Additionally, computational prediction tools and conservation analysis suggest that this variant may affect the protein (PP3). In summary, this variant meets criteria to be classified as pathogenic for RASopathies in an autosomal dominant manner. Rasopathy-specific ACMG/AMP criteria applied (PMID:29493581): PS4_Moderate, PS2, PS3, PM2, PP2, PP3.

Ambry Genetics
Classification: Pathogenic for Cardiovascular phenotype. Last evaluated: 2025-09-26. Review status: criteria provided, single submitter. Criteria: Ambry Variant Classification Scheme 2023. Collection method: clinical testing. Allele origin: germline. Not counted in ClinVar's aggregate classification.
Comment: The c.1455G>C (p.L485F) alteration is located in coding exon 12 of the BRAF gene. This alteration results from a G to C substitution at nucleotide position 1455, causing the leucine (L) at amino acid position 485 to be replaced by a phenylalanine (F). This variant was not reported in population-based cohorts in the Genome Aggregation Database (gnomAD). This variant was reported in individuals with features consistent with BRAF-related rasopathy; in at least one individual, it was determined to be de novo (Niihori, 2006; Sarkozy, 2009; Shoji, 2019; Ambry internal data). This nucleotide position is well conserved in available vertebrate species. In multiple assays testing BRAF function, this variant showed functionally abnormal results (Niihori, 2006; Rodriguez-Viciana, 2008). This alteration is predicted to be deleterious by in silico analysis. Based on the available evidence, this alteration is classified as pathogenic.

GeneDx
Classification: Pathogenic. Last evaluated: 2025-01-29. Review status: criteria provided, single submitter. Criteria: GeneDx Variant Classification Process June 2021. Collection method: clinical testing. Allele origin: germline. Affected: yes. Not counted in ClinVar's aggregate classification.
Comment: Published functional studies demonstrate a damaging effect with the variant causing a gain-of-function to the MAPK pathway (PMID: 16474404, 25348715); Not observed at significant frequency in large population cohorts (gnomAD); In silico analysis supports that this missense variant has a deleterious effect on protein structure/function; Missense variants in this gene are a common cause of disease and they are underrepresented in the general population; Also known as c.1575G>C p.(Leu525Phe); This variant is associated with the following publications: (PMID: 16439621, 18039235, 28972961, 24803665, 18413255, 23093928, 24458522, 25348715, 26150740, 26744778, 20301365, 28468735, 28524057, 22369373, 33753861, 32005694, 29493581, 19206169, 25194980, 37697822, 38572385, 34643321, 36307859, 16474404)

Labcorp Genetics (formerly Invitae), Labcorp
Classification: Pathogenic for RASopathy. Last evaluated: 2024-01-19. Review status: criteria provided, single submitter. Criteria: Invitae Variant Classification Sherloc (09022015). Collection method: clinical testing. Allele origin: germline. Not counted in ClinVar's aggregate classification.
Comment: This sequence change replaces leucine, which is neutral and non-polar, with phenylalanine, which is neutral and non-polar, at codon 485 of the BRAF protein (p.Leu485Phe). This variant is not present in population databases (gnomAD no frequency). This missense change has been observed in individual(s) with cardio-facio-cutaneous syndrome (PMID: 16474404, 19206169, 28524057). In at least one individual the variant was observed to be de novo. ClinVar contains an entry for this variant (Variation ID: 13975). Advanced modeling of protein sequence and biophysical properties (such as structural, functional, and spatial information, amino acid conservation, physicochemical variation, residue mobility, and thermodynamic stability) performed at Invitae indicates that this missense variant is expected to disrupt BRAF protein function with a positive predictive value of 80%. Experimental studies have shown that this missense change affects BRAF function (PMID: 18413255). For these reasons, this variant has been classified as Pathogenic.

ARUP Laboratories, Molecular Genetics and Genomics, ARUP Laboratories
Classification: Pathogenic. Last evaluated: 2023-07-13. Review status: criteria provided, single submitter. Criteria: ARUP Molecular Germline Variant Investigation Process 2024. Collection method: clinical testing. Allele origin: germline. Not counted in ClinVar's aggregate classification.
Comment: The BRAF c.1455G>C; p.Leu485Phe variant (rs180177036) is reported in individuals with cardio-facio-cutaneous syndrome (Niihori 2006, Rodriguez-Viciana 2008, Sarkozy 2009). This variant is classified as pathogenic by an expert panel in the ClinVar database (Variation ID: 13975). It is absent from the Genome Aggregation Database, indicating it is not a common polymorphism. Computational analyses predict that this variant is deleterious (REVEL: 0.757). In support of these predictions, functional analyses have demonstrated this variant has an impact on BRAF function (Niihori 2006, Rodriguez-Viciana 2008). Based on available information, the p.Leu485Phe variant is considered to be pathogenic. References: Niihori T et al. Germline KRAS and BRAF mutations in cardio-facio-cutaneous syndrome. Nat Genet. 2006 Mar;38(3):294-6. PMID: 16474404. Rodriguez-Viciana P, Rauen KA. Biochemical characterization of novel germline BRAF and MEK mutations in cardio-facio-cutaneous syndrome. Methods Enzymol. 2008;438:277-89. doi: 10.1016/S0076-6879(07)38019-1. PMID: 18413255. Sarkozy A et al. Germline BRAF mutations in Noonan, LEOPARD, and cardiofaciocutaneous syndromes: molecular diversity and associated phenotypic spectrum. Hum Mutat. 2009 Apr;30(4):695-702. PMID: 19206169.

Division of Human Genetics, National Health Laboratory Service/University of the Witwatersrand
Classification: Pathogenic for RASopathy. Last evaluated: 2023-07-01. Review status: criteria provided, single submitter. Criteria: ACMG Guidelines, 2015. Collection method: research. Allele origin: germline. Affected: yes. Not counted in ClinVar's aggregate classification.

PreventionGenetics, part of Exact Sciences
Classification: Pathogenic for BRAF-related condition. Last evaluated: 2023-01-27. Review status: criteria provided, single submitter. Criteria: ACMG Guidelines, 2015. Collection method: clinical testing. Allele origin: germline. Not counted in ClinVar's aggregate classification.
Comment: The BRAF c.1455G>C variant is predicted to result in the amino acid substitution p.Leu485Phe. This variant has been reported in individuals with cardio-facio-cutaneous syndrome (CFCS) (see for example Niihori et al. 2006. PubMed ID: 16474404). Additionally, a different nucleotide substitution (c.1455G>T) resulting in the same missense variant (Leu485Phe) has been reported in individuals with CFCS (Table S1 - Mohan et al. 2022. PubMed ID: 34358384). Functional studies demonstrate this variant results in increased p-MEK/ERK levels, consistent with a gain-of-function mechanism, resulting in hyperactivation of the RAS pathway (Rodriguez-Viciana et al. 2008. PubMed ID: 18413255). Additionally, a different missense substitution (p.Leu485Ser) affecting this residue has been reported as pathogenic (Aizaki et al. 2011. PubMed ID: 20395089). This variant has not been reported in a large population database, indicating this variant is rare. This variant is interpreted as pathogenic.